The following is an entry in ClinVar:

NM_003036.4(SKI):c.2057C>T (p.Ala686Val)

Gene: SKI (SKI proto-oncogene; plus strand). Cytogenetic location: 1p36.32.
Variant type: single nucleotide variant.
Coding change: c.2057C>T on transcript NM_003036.4 (MANE Select); coding-DNA position 2057, C replaced by T.
Protein change: p.Ala686Val; replaces alanine 686 with valine.
Molecular consequence: missense variant.
Genome position (GRCh38, 1-based): chr1:2,306,635, C>T. VCF-style: chr1-2306635-C-T. GRCh37 (hg19) VCF-style: chr1-2238074-C-T.
Other names: c.2057C>T (NM_003036.3); short protein forms A686V.
Identifiers: ClinVar variation 932320 (VCV000932320.41), dbSNP rs1216955747, ClinGen allele CA337959647.
Genomic context (GRCh38, chr1:2,306,635, plus strand): 5'-AGATCGAAGACCTGCAGGTGAAGCTGCAGCACGCGGAGGCGGACCGGGAGCAGCTGCGGG[C>T]CGACCTGCTGCGGGAGCGCGAGGCCCGGGAGCACCTGGAGAAGGTGGTGAAGGAGCTGCA-3'
Protein context (NP_003027.1, residues 676-696): HAEADREQLR[Ala686Val]DLLREREARE

ClinVar aggregate classification (germline): Uncertain significance. Review status: criteria provided, multiple submitters, no conflicts (2 of 4 stars). 2 submissions from 2 submitters: Uncertain significance (2). Last evaluated 2024-07-30.

Conditions:
Familial thoracic aortic aneurysm and aortic dissection (TAAD). Also called: Thoracic aortic aneurysms and dissections. Identifiers: Orphanet 91387, MedGen C4707243, MONDO:0019625.

Submissions (2):

Ambry Genetics
Classification: Uncertain significance for Familial thoracic aortic aneurysm and aortic dissection. Last evaluated: 2024-07-30. Review status: criteria provided, single submitter. Criteria: Ambry Variant Classification Scheme 2023. Collection method: clinical testing. Allele origin: germline.
Comment: The c.2057C>T (p.A686V) alteration is located in exon 7 (coding exon 7) of the SKI gene. This alteration results from a C to T substitution at nucleotide position 2057, causing the alanine (A) at amino acid position 686 to be replaced by a valine (V). This variant was not reported in population-based cohorts in the Genome Aggregation Database (gnomAD). This amino acid position is well conserved in available vertebrate species. This missense alteration is located in a region that has a low rate of benign missense variation (Lek, 2016; Firth, 2009). The in silico prediction for this alteration is inconclusive. Based on insufficient or conflicting evidence, the clinical significance of this alteration remains unclear.

CeGaT Center for Human Genetics Tuebingen
Classification: Uncertain significance. Last evaluated: 2020-04-01. Review status: criteria provided, single submitter. Criteria: CeGaT Center For Human Genetics Tuebingen Variant Classification Criteria Version 2. Collection method: clinical testing. Allele origin: germline. Affected: yes. Observed: 1 variant allele.